The following is an entry in ClinVar:

ClinVar aggregate classification (germline): Uncertain significance (1 of 4 stars; one submission).

Conditions:
Citrullinemia. Identifiers: Orphanet 187, MedGen C0175683, MONDO:0015991.

gnomAD v4.1: 1 of 1,614,136 alleles (0.000062%); highest among the groups gnomAD compares: Non-Finnish European, 0.000085%; no homozygotes.

Submission:

Labcorp Genetics (formerly Invitae), Labcorp
Classification: Uncertain significance for Citrullinemia. Last evaluated: 2020-07-30. Review status: criteria provided, single submitter. Criteria: Invitae Variant Classification Sherloc (09022015). Collection method: clinical testing. Allele origin: germline.
Comment: In summary, the available evidence is currently insufficient to determine the role of this variant in disease. Therefore, it has been classified as a Variant of Uncertain Significance. Algorithms developed to predict the effect of missense changes on protein structure and function are either unavailable or do not agree on the potential impact of this missense change (SIFT: "Deleterious"; PolyPhen-2: "Benign"; Align-GVGD: "Class C0"). This variant has not been reported in the literature in individuals with ASS1-related conditions. This variant is not present in population databases (ExAC no frequency). This sequence change replaces proline with leucine at codon 213 of the ASS1 protein (p.Pro213Leu). The proline residue is highly conserved and there is a moderate physicochemical difference between proline and leucine.

NM_054012.4(ASS1):c.638C>T (p.Pro213Leu)

Gene: ASS1 (argininosuccinate synthase 1; plus strand). Cytogenetic location: 9q34.11.
Variant type: single nucleotide variant.
Coding change: c.638C>T on transcript NM_054012.4 (MANE Select); coding-DNA position 638, C replaced by T.
Protein change: p.Pro213Leu; replaces proline 213 with leucine.
Molecular consequence: missense variant.
Genome position (GRCh38, 1-based): chr9:130,476,911, C>T. VCF-style: chr9-130476911-C-T. GRCh37 (hg19) VCF-style: chr9-133352298-C-T.
Other names: c.638C>T, p.Pro213Leu (NM_000050.4); short protein forms P213L.
Identifiers: ClinVar variation 1043212 (VCV001043212.9), dbSNP rs1486449199, ClinGen allele CA375228435.
Genomic context (GRCh38, chr9:130,476,911, plus strand): 5'-CACTTTCTGTCTTTTTTCAGAACCAAGCGCCTCCAGGTCTCTACACGAAGACCCAGGACC[C>T]AGCCAAAGCCCCCAACACCCCTGACATTCTCGAGATCGAGTTCAAAAAAGGTATGTGCCC-3'
Protein context (NP_446464.1, residues 203-223): PPGLYTKTQD[Pro213Leu]AKAPNTPDIL